The following is an entry in ClinVar:

ClinVar aggregate classification (germline): Uncertain significance (1 of 4 stars; one submission).

Conditions:
Fraser syndrome 3. Identifiers: MedGen C4540040, MONDO:0054739, OMIM 617667.

Allele frequency attached by ClinVar (database versions not stated): gnomAD exomes below 0.00001; TOPMed below 0.00001.
gnomAD v4.1: 2 of 1,613,338 alleles (0.00012%); highest among the groups gnomAD compares: Non-Finnish European, 0.00017%; no homozygotes.

Submission:

Centre for Mendelian Genomics, University Medical Centre Ljubljana
Classification: Uncertain significance for Fraser syndrome 3. Last evaluated: 2019-03-13. Review status: criteria provided, single submitter. Criteria: ACMG Guidelines, 2015. Collection method: clinical testing. Allele origin: unknown. Affected: yes.
Comment: This variant was classified as: Uncertain significance. The available evidence on this variant's pathogenicity is insufficient or conflicting. The following ACMG criteria were applied in classifying this variant: PM2,PP3.

NM_001366722.1(GRIP1):c.2423C>T (p.Ser808Leu)

Gene: GRIP1 (glutamate receptor interacting protein 1; minus strand). Cytogenetic location: 12q14.3.
Variant type: single nucleotide variant.
Coding change: c.2423C>T on transcript NM_001366722.1 (MANE Select); coding-DNA position 2423, C replaced by T.
Protein change: p.Ser808Leu; replaces serine 808 with leucine.
Molecular consequence: missense variant.
Genome position (GRCh38, 1-based): chr12:66,392,349, G>A on the plus strand (C>T on the coding strand, the complement: GRIP1 is on the minus strand). VCF-style: chr12-66392349-G-A. GRCh37 (hg19) VCF-style: chr12-66786129-G-A.
Other names: c.2267C>T, p.Ser756Leu (NM_001178074.2, NM_001379351.1, NM_021150.4); c.2342C>T, p.Ser781Leu (NM_001366723.1, NM_001379348.1); c.2345C>T, p.Ser782Leu (NM_001366724.1, NM_001379347.1); c.2501C>T, p.Ser834Leu (NM_001379345.1); c.2423C>T, p.Ser808Leu (NM_001379346.1); c.2270C>T, p.Ser757Leu (NM_001379349.1); short protein forms S757L, S782L, S781L, S834L, S756L, S808L.
Identifiers: ClinVar variation 931511 (VCV000931511.3), dbSNP rs1244319253, ClinGen allele CA385631745.